The following is an entry in ClinVar:

ClinVar aggregate classification (germline): Uncertain significance (1 of 4 stars; one submission).

Allele frequency attached by ClinVar (database versions not stated): gnomAD 0.00001; gnomAD exomes 0.00001; ExAC 0.00002; TOPMed 0.00002.
gnomAD v4.1: 10 of 1,614,008 alleles (0.00062%); highest among the groups gnomAD compares: Admixed American, 0.01%; no homozygotes.

Submission:

Labcorp Genetics (formerly Invitae), Labcorp
Classification: Uncertain significance. Last evaluated: 2022-04-13. Review status: criteria provided, single submitter. Criteria: Invitae Variant Classification Sherloc (09022015). Collection method: clinical testing. Allele origin: germline.
Comment: Variants that disrupt the consensus splice site are a relatively common cause of aberrant splicing (PMID: 17576681, 9536098). Algorithms developed to predict the effect of sequence changes on RNA splicing suggest that this variant is not likely to affect RNA splicing. In summary, the available evidence is currently insufficient to determine the role of this variant in disease. Therefore, it has been classified as a Variant of Uncertain Significance. This variant has not been reported in the literature in individuals affected with LRP6-related conditions. This sequence change falls in intron 2 of the LRP6 gene. It does not directly change the encoded amino acid sequence of the LRP6 protein. It affects a nucleotide within the consensus splice site. This variant is present in population databases (rs765676217, gnomAD 0.02%).

Literature cited by the submitters: PubMed 17576681; PubMed 9536098.

NM_002336.3(LRP6):c.449+3A>G

Gene: LRP6 (LDL receptor related protein 6; minus strand). Cytogenetic location: 12p13.2.
Variant type: single nucleotide variant.
Coding change: c.449+3A>G on transcript NM_002336.3 (MANE Select); 3 bases into the intron after coding-DNA position 449, A replaced by G.
Molecular consequence: intron variant.
Genome position (GRCh38, 1-based): chr12:12,244,259, T>C on the plus strand (A>G on the coding strand, the complement: LRP6 is on the minus strand). VCF-style: chr12-12244259-T-C. GRCh37 (hg19) VCF-style: chr12-12397193-T-C.
Identifiers: ClinVar variation 1897242 (VCV001897242.5), dbSNP rs765676217, ClinGen allele CA6455889.